The following is an entry in ClinVar:

ClinVar aggregate classification (germline): Pathogenic (1 of 4 stars; one submission).

Submission:

GeneDx
Classification: Pathogenic. Last evaluated: 2014-03-13. Review status: criteria provided, single submitter. Criteria: GeneDx Variant Classification (06012015). Collection method: clinical testing. Allele origin: germline. Affected: yes.
Comment: The A381T variant has not been published as a mutation, nor has it been reported as a benign polymorphism to our knowledge. It was not observed in approximately 6000 individuals of European and African American ancestry in the NHLBI Exome Sequencing Project, indicating it is not a common benign variant in these populations. The A381T variant is a non-conservative amino acid substitution, which is likely to impact secondary protein structure as these residues differ in polarity, charge, size and/or other properties. This substitution occurs at a position that is somewhat well-conserved across species. In silico analysis predicts this variant is probably damaging to the protein structure/function. Missense mutations in nearby residues (R379L, R379S) have been reported in association with X-linked Lissencephaly, mental retardation and seizures , supporting the functional importance of this region of the protein. Therefore, this variant is a strong candidate for a pathogenic mutation, however the possibility that it is a benign variant cannot be excluded. This variant has been observed de novo without verified parentage. The variant is found in INFANT-EPI panel(s).

NM_139058.3(ARX):c.1141G>A (p.Ala381Thr)

Gene: ARX (aristaless related homeobox; minus strand). Cytogenetic location: Xp21.3.
Variant type: single nucleotide variant.
Coding change: c.1141G>A on transcript NM_139058.3 (MANE Select); coding-DNA position 1141, G replaced by A.
Protein change: p.Ala381Thr; replaces alanine 381 with threonine.
Molecular consequence: missense variant.
Genome position (GRCh38, 1-based): chrX:25,007,418, C>T on the plus strand (G>A on the coding strand, the complement: ARX is on the minus strand). VCF-style: chrX-25007418-C-T. GRCh37 (hg19) VCF-style: chrX-25025535-C-T.
Other names: p.A381T:GCC>ACC; short protein forms A381T.
Identifiers: ClinVar variation 156619 (VCV000156619.2), dbSNP rs587783096, ClinGen allele CA294628.